The following is an entry in ClinVar:

NM_015512.5(DNAH1):c.2738C>A (p.Ala913Asp)

Gene: DNAH1 (dynein axonemal heavy chain 1; plus strand). Cytogenetic location: 3p21.1.
Variant type: single nucleotide variant.
Coding change: c.2738C>A on transcript NM_015512.5 (MANE Select); coding-DNA position 2738, C replaced by A.
Protein change: p.Ala913Asp; replaces alanine 913 with aspartic acid.
Molecular consequence: missense variant.
Genome position (GRCh38, 1-based): chr3:52,351,970, C>A. VCF-style: chr3-52351970-C-A. GRCh37 (hg19) VCF-style: chr3-52385986-C-A.
Other names: short protein forms A913D.
Identifiers: ClinVar variation 3382871 (VCV003382871.2).

ClinVar aggregate classification (germline): Uncertain significance (1 of 4 stars; one submission).

Conditions:
Spermatogenic failure 18. Identifiers: MedGen C4539783, MONDO:0054615, OMIM 617576.
Ciliary dyskinesia, primary, 37 (CILD37). Also called: CILIARY DYSKINESIA, PRIMARY, 37, WITH OR WITHOUT SITUS INVERSUS. Identifiers: MedGen C4539798, MONDO:0033204, OMIM 617577.

gnomAD v4.1: 1 of 1,601,702 alleles (0.000062%); highest among the groups gnomAD compares: East Asian, 0.0023%; no homozygotes.

Submission:

Juno Genomics, Hangzhou Juno Genomics, Inc
Classification: Uncertain significance for Ciliary dyskinesia, primary, 37; Spermatogenic failure 18. Review status: criteria provided, single submitter. Criteria: ACMG Guidelines, 2015. Collection method: clinical testing. Allele origin: germline. Affected: yes.
Comment: Absent from controls (or at extremely low frequency if recessive) in Genome Aggregation Database, Exome Sequencing Project, 1000 Genomes Project, or Exome Aggregation Consortium.;Patient's phenotype or family history is highly specific for a disease with a single genetic etiology.